The following is an entry in ClinVar:

ClinVar aggregate classification (germline): Conflicting classifications of pathogenicity. Review status: criteria provided, conflicting classifications (1 of 4 stars). 3 submissions from 3 submitters: Uncertain significance (2); Likely benign (1). Last evaluated 2026-05-01.

Conditions:
DST-related disorder. Also called: DST-related condition; DST-related disorders.
Epidermolysis bullosa simplex 3, localized or generalized intermediate, with BP230 deficiency (EBS3). Also called: Epidermolysis bullosa simplex, autosomal recessive 2; Epidermolysis bullosa simplex due to BP230 deficiency. Identifiers: Orphanet 412181, MedGen C3809470, MONDO:0014180, OMIM 615425.
Hereditary sensory and autonomic neuropathy type 6. Also called: HSAN VI; Neuropathy, hereditary sensory and autonomic, type VI. Identifiers: Orphanet 314381, MedGen C3539003, MONDO:0013839, OMIM 614653.
Inborn genetic diseases. Identifiers: MedGen C0950123, MeSH D030342.

Allele frequency attached by ClinVar (database versions not stated): gnomAD exomes 0.00003 and 0.00010; ExAC 0.00012; ESP Exome Variant Server 0.00034; gnomAD 0.00037 and 0.00041; TOPMed 0.00045.
gnomAD v4.1: 97 of 1,594,598 alleles (0.0061%); highest among the groups gnomAD compares: African/African-American, 0.12%; no homozygotes.

Submissions (3):

PreventionGenetics, part of Exact Sciences
Classification: Likely benign for DST-related condition. Last evaluated: 2026-05-01. Review status: criteria provided, single submitter. Criteria: ACMG Guidelines, 2015. Collection method: clinical testing. Allele origin: germline.
Comment: This variant is classified as likely benign based on ACMG/AMP sequence variant interpretation guidelines (Richards et al. 2015 PMID: 25741868, with internal and published modifications).

Labcorp Genetics (formerly Invitae), Labcorp
Classification: Uncertain significance for Epidermolysis bullosa simplex 3, localized or generalized intermediate, with BP230 deficiency; Hereditary sensory and autonomic neuropathy type 6. Last evaluated: 2026-01-22. Review status: criteria provided, single submitter. Criteria: Invitae Variant Classification Sherloc (09022015). Collection method: clinical testing. Allele origin: germline.
Comment: The DST gene has multiple clinically relevant transcripts. This variant occurs in alternate transcript NM_015548.4, and corresponds to NM_001723.5:c.*47054A>T in the primary transcript. This sequence change falls in intron 36 of the DST gene. It does not directly change the encoded amino acid sequence of the DST protein. It affects a nucleotide within the consensus splice site. This variant is present in population databases (rs377182814, gnomAD 0.1%). This variant has not been reported in the literature in individuals affected with DST-related conditions. ClinVar contains an entry for this variant (Variation ID: 968110). Variants that disrupt the consensus splice site are a relatively common cause of aberrant splicing (PMID: 17576681, 9536098). Experimental studies and prediction algorithms are not available or were not evaluated, and the effect of this variant on mRNA splicing is currently unknown. In summary, the available evidence is currently insufficient to determine the role of this variant in disease. Therefore, it has been classified as a Variant of Uncertain Significance.

Ambry Genetics
Classification: Uncertain significance for Inborn genetic diseases. Last evaluated: 2020-12-17. Review status: criteria provided, single submitter. Criteria: Ambry Variant Classification Scheme 2023. Collection method: clinical testing. Allele origin: germline.
Comment: The c.7648+6A>T intronic variant results from an A to T substitution 6 nucleotides after coding exon 49 in the DST gene. This nucleotide position is poorly conserved in available vertebrate species. In silico splice site analysis predicts that this alteration will not have any significant effect on splicing. Since supporting evidence is limited at this time, the clinical significance of this alteration remains unclear.

Literature cited by the submitters: PubMed 17576681 (cited by Labcorp Genetics (formerly Invitae), Labcorp); PubMed 9536098 (cited by Labcorp Genetics (formerly Invitae), Labcorp).

NM_001374736.1(DST):c.14005+6A>T

Gene: DST (dystonin; minus strand). Cytogenetic location: 6p12.1.
Variant type: single nucleotide variant.
Coding change: c.14005+6A>T on transcript NM_001374736.1 (MANE Select); 6 bases into the intron after coding-DNA position 14005, A replaced by T.
Molecular consequence: intron variant.
Genome position (GRCh38, 1-based): chr6:56,568,463, T>A on the plus strand (A>T on the coding strand, the complement: DST is on the minus strand). VCF-style: chr6-56568463-T-A. GRCh37 (hg19) VCF-style: chr6-56433261-T-A.
Other names: c.7648+6A>T (NM_001144769.5); c.14005+6A>T (NM_001374722.1); c.14032+6A>T (NM_001374734.1); c.7234+6A>T (NM_001144770.2); c.7114+6A>T (NM_001374730.1, NM_183380.4); c.13372+6A>T (NM_001374729.1); c.6136+6A>T (NM_015548.5).
Identifiers: ClinVar variation 968110 (VCV000968110.11), dbSNP rs377182814, ClinGen allele CA3868129.
Genomic context (GRCh38, chr6:56,568,463, plus strand): 5'-TACACAAAATTGACATGAGTAAACCTGATTCTTAGTTTTTGCCATAAATGTAAATAAAGC[T>A]CATACCTGATTTAACTGCTGCTATTGCCTTTGCAGGGGTGGTCACAGCACTTATTAAGTT-3'